The following is an entry in ClinVar:

ClinVar aggregate classification (germline): Uncertain significance (1 of 4 stars; one submission).

Submission:

Labcorp Genetics (formerly Invitae), Labcorp
Classification: Uncertain significance. Last evaluated: 2024-05-13. Review status: criteria provided, single submitter. Criteria: Invitae Variant Classification Sherloc (09022015). Collection method: clinical testing. Allele origin: germline.
Comment: This sequence change falls in intron 4 of the DUOX2 gene. It does not directly change the encoded amino acid sequence of the DUOX2 protein. It affects a nucleotide within the consensus splice site. This variant is present in population databases (rs765639519, gnomAD 0.009%). This variant has not been reported in the literature in individuals affected with DUOX2-related conditions. Variants that disrupt the consensus splice site are a relatively common cause of aberrant splicing (PMID: 17576681, 9536098). Algorithms developed to predict the effect of sequence changes on RNA splicing suggest that this variant may disrupt the consensus splice site. In summary, the available evidence is currently insufficient to determine the role of this variant in disease. Therefore, it has been classified as a Variant of Uncertain Significance.

Literature cited by the submitters: PubMed 17576681; PubMed 9536098.

NM_001363711.2(DUOX2):c.325+4A>G

Gene: DUOX2 (dual oxidase 2; minus strand). Cytogenetic location: 15q21.1.
Variant type: single nucleotide variant.
Coding change: c.325+4A>G on transcript NM_001363711.2 (MANE Select); 4 bases into the intron after coding-DNA position 325, A replaced by G.
Molecular consequence: intron variant.
Genome position (GRCh38, 1-based): chr15:45,112,550, T>C on the plus strand (A>G on the coding strand, the complement: DUOX2 is on the minus strand). VCF-style: chr15-45112550-T-C. GRCh37 (hg19) VCF-style: chr15-45404748-T-C.
Other names: c.325+4A>G (NM_014080.5).
Identifiers: ClinVar variation 3686318 (VCV003686318.2).